The following is an entry in ClinVar:

NM_004006.3(DMD):c.832-13C>G

Gene: DMD (dystrophin; minus strand). Cytogenetic location: Xp21.1.
Variant type: single nucleotide variant.
Coding change: c.832-13C>G on transcript NM_004006.3 (MANE Select); 13 bases into the intron before coding-DNA position 832, C replaced by G.
Molecular consequence: intron variant.
Genome position (GRCh38, 1-based): chrX:32,698,011, G>C on the plus strand (C>G on the coding strand, the complement: DMD is on the minus strand). VCF-style: chrX-32698011-G-C. GRCh37 (hg19) VCF-style: chrX-32716128-G-C.
Other names: c.808-13C>G (NM_000109.4); c.820-13C>G (NM_004009.3); c.463-13C>G (NM_004010.3).
Identifiers: ClinVar variation 1516767 (VCV001516767.8), dbSNP rs1333642183, ClinGen allele CA2422932321.
Genomic context (GRCh38, chrX:32,698,011, plus strand): 5'-CTTAGGGGAAGAAGTTCTCTCATATCCCTGTGCTAGACTGACCGTGATCTGCAGAGAAGG[G>C]TTTGGGGGAGTGGATAGAGAGGAGGGGGAAAAACCATAAGTAACCCGAAAGGACTACTTT-3'

ClinVar aggregate classification (germline): Uncertain significance (1 of 4 stars; one submission).

Conditions:
Duchenne muscular dystrophy (DMD). Also called: MUSCULAR DYSTROPHY, PSEUDOHYPERTROPHIC PROGRESSIVE, DUCHENNE TYPE; Duchenne Muscular Dystrophy (DMD). Identifiers: Orphanet 98896, MedGen C0013264, MONDO:0010679, OMIM 310200.

Allele frequency attached by ClinVar (database versions not stated): TOPMed below 0.00001.

Submission:

Labcorp Genetics (formerly Invitae), Labcorp
Classification: Uncertain significance for Duchenne muscular dystrophy. Last evaluated: 2021-03-15. Review status: criteria provided, single submitter. Criteria: Invitae Variant Classification Sherloc (09022015). Collection method: clinical testing. Allele origin: germline.
Comment: Algorithms developed to predict the effect of sequence changes on RNA splicing suggest that this variant may create or strengthen a splice site, but this prediction has not been confirmed by published transcriptional studies. This variant has not been reported in the literature in individuals with DMD-related conditions. This variant is not present in population databases (ExAC no frequency). This sequence change falls in intron 8 of the DMD gene. It does not directly change the encoded amino acid sequence of the DMD protein. In summary, the available evidence is currently insufficient to determine the role of this variant in disease. Therefore, it has been classified as a Variant of Uncertain Significance.